The following is an entry in ClinVar:

NM_000088.4(COL1A1):c.247G>A (p.Gly83Ser)

Gene: COL1A1 (collagen type I alpha 1 chain; minus strand). Cytogenetic location: 17q21.33.
Variant type: single nucleotide variant.
Coding change: c.247G>A on transcript NM_000088.4 (MANE Select); coding-DNA position 247, G replaced by A.
Protein change: p.Gly83Ser; replaces glycine 83 with serine.
Molecular consequence: missense variant.
Genome position (GRCh38, 1-based): chr17:50,199,804, C>T on the plus strand (G>A on the coding strand, the complement: COL1A1 is on the minus strand). VCF-style: chr17-50199804-C-T. GRCh37 (hg19) VCF-style: chr17-48277165-C-T.
Other names: c.247G>A (NM_000088.3); short protein forms G83S.
Identifiers: ClinVar variation 1025267 (VCV001025267.13), dbSNP rs763855013, ClinGen allele CA8645805.

ClinVar aggregate classification (germline): Conflicting classifications of pathogenicity. Review status: criteria provided, conflicting classifications (1 of 4 stars). 4 submissions from 4 submitters: Uncertain significance (2); Likely benign (1). 1 of the submissions does not count toward it. Last evaluated 2026-05-29.

Conditions:
Osteogenesis imperfecta type I (OI1). Also called: Classic Non-deforming Osteogenesis Imperfecta with Blue Sclerae; OI, TYPE I; OSTEOGENESIS IMPERFECTA TARDA; OSTEOGENESIS IMPERFECTA WITH BLUE SCLERAE; Osteogenesis imperfecta type 1; Lobstein's Disease. Identifiers: Orphanet 216796, Orphanet 666, MedGen C0023931, MONDO:0008146, OMIM 166200. Disease mechanism: loss of function.
COL1A1-related disorder. Also called: COL1A1- related disease; COL1A1-related condition.
Cardiovascular phenotype. Identifiers: MedGen CN230736.

Allele frequency attached by ClinVar (database versions not stated): ExAC 0.00001; gnomAD 0.00001; gnomAD exomes 0.00002; TOPMed 0.00002.
gnomAD v4.1: 31 of 1,613,910 alleles (0.0019%); highest among the groups gnomAD compares: Admixed American, 0.0033%; no homozygotes.

Submissions (4):

Women's Health and Genetics/Laboratory Corporation of America, LabCorp
Classification: Uncertain significance. Last evaluated: 2026-05-29. Review status: criteria provided, single submitter. Criteria: LabCorp Variant Classification Summary - May 2015. Collection method: clinical testing. Allele origin: germline.
Comment: Variant summary: COL1A1 c.247G>A (p.Gly83Ser) results in a non-conservative amino acid change in the encoded protein sequence. Algorithms developed to predict the effect of missense changes on protein structure and function are either unavailable or do not agree on the potential impact of this missense change. The variant allele was found at a frequency of 2e-05 in 251040 control chromosomes. The available data on variant occurrences in the general population are insufficient to allow any conclusion about variant significance. To our knowledge, no occurrence of c.247G>A in individuals affected with COL1A1-related conditions and no experimental evidence demonstrating its impact on protein function have been reported. ClinVar contains an entry for this variant (Variation ID: 1025267). Based on the evidence outlined above, the variant was classified as uncertain significance.

Ambry Genetics
Classification: Uncertain significance for Cardiovascular phenotype. Last evaluated: 2026-05-18. Review status: criteria provided, single submitter. Criteria: Ambry Variant Classification Scheme 2023. Collection method: clinical testing. Allele origin: germline.
Comment: The p.G83S variant (also known as c.247G>A), located in coding exon 2 of the COL1A1 gene, results from a G to A substitution at nucleotide position 247. The glycine at codon 83 is replaced by serine, an amino acid with similar properties. This amino acid position is conserved. In addition, this alteration is predicted to be tolerated by in silico analysis. Based on the available evidence, the clinical significance of this variant remains unclear.

Labcorp Genetics (formerly Invitae), Labcorp
Classification: Likely benign for Osteogenesis imperfecta type I. Last evaluated: 2024-11-06. Review status: criteria provided, single submitter. Criteria: Invitae Variant Classification Sherloc (09022015). Collection method: clinical testing. Allele origin: germline.

PreventionGenetics, part of Exact Sciences
Classification: Uncertain significance for COL1A1-related condition. Last evaluated: 2024-06-20. Review status: no assertion criteria provided. Collection method: clinical testing. Allele origin: germline. Not counted in ClinVar's aggregate classification.
Comment: The COL1A1 c.247G>A variant is predicted to result in the amino acid substitution p.Gly83Ser. To our knowledge, this variant has not been reported in the literature. This variant is reported in 0.0056% of alleles in individuals of Latino descent in gnomAD. At this time, the clinical significance of this variant is uncertain due to the absence of conclusive functional and genetic evidence.